The following is an entry in ClinVar:

ClinVar aggregate classification (germline): Benign/Likely benign. Review status: criteria provided, multiple submitters, no conflicts (2 of 4 stars). 3 submissions from 3 submitters: Benign (1); Likely benign (2). Last evaluated 2026-01-29.

Conditions:
Oligodontia-cancer predisposition syndrome. Also called: TOOTH AGENESIS-COLORECTAL CANCER SYNDROME. Identifiers: Orphanet 300576, MedGen C1837750, MONDO:0012075, OMIM 608615. Disease mechanism: loss of function.

Submissions (3):

Labcorp Genetics (formerly Invitae), Labcorp
Classification: Likely benign for Oligodontia-cancer predisposition syndrome. Last evaluated: 2026-01-29. Review status: criteria provided, single submitter. Criteria: Invitae Variant Classification Sherloc (09022015). Collection method: clinical testing. Allele origin: germline.

Myriad Genetics, Inc.
Classification: Likely benign for Oligodontia-cancer predisposition syndrome. Last evaluated: 2024-07-01. Review status: criteria provided, single submitter. Criteria: Myriad Autosomal Dominant, Autosomal Recessive and X-Linked Classification Criteria (2023). Collection method: clinical testing. Allele origin: unknown.
Comment: This variant is considered likely benign. This variant is intronic and is not expected to impact mRNA splicing.

GeneDx
Classification: Benign. Last evaluated: 2015-05-20. Review status: criteria provided, single submitter. Criteria: GeneDx Variant Classification (06012015). Collection method: clinical testing. Allele origin: germline. Affected: yes.
Comment: This variant is considered likely benign or benign based on one or more of the following criteria: it is a conservative change, it occurs at a poorly conserved position in the protein, it is predicted to be benign by multiple in silico algorithms, and/or has population frequency not consistent with disease.

NM_004655.4(AXIN2):c.1201-20_1201-18del

Gene: AXIN2 (axin 2; minus strand). Cytogenetic location: 17q24.1.
Variant type: Deletion.
Coding change: c.1201-20_1201-18del on transcript NM_004655.4 (MANE Select); 20 bases into the intron before coding-DNA position 1201 through 18 bases into the intron before coding-DNA position 1201, 3 bases deleted (TCT; older notation c.1201-20_1201-18delTCT).
Molecular consequence: intron variant.
Genome position (GRCh38, 1-based): chr17:65,537,853-65,537,855, AGA deleted on the plus strand (TCT on the coding strand, the reverse complement: AXIN2 is on the minus strand); deleting any 3 consecutive bases within chr17:65,537,853-65,537,857 gives the same sequence; the c. name uses the placement nearest the transcript's 3' end. VCF-style (leftmost placement, unchanged base first): chr17-65537852-CAGA-C. GRCh37 (hg19) VCF-style: chr17-63533970-CAGA-C.
Other names: c.1201-20_1201-18del (LRG_296t1, NM_001363813.1); c.1201-20_1201-18delTCT (NM_004655.3).
Identifiers: ClinVar variation 418053 (VCV000418053.9), dbSNP rs759293912, ClinGen allele CA8718721.